The following is an entry in ClinVar:

NM_003924.4(PHOX2B):c.66C>T (p.Asp22=)

Genes: PHOX2B-AS1 (PHOX2B antisense RNA 1; plus strand), PHOX2B (paired like homeobox 2B; minus strand). Cytogenetic location: 4p13.
Variant type: single nucleotide variant.
Coding change: c.66C>T on transcript NM_003924.4 (MANE Select); coding-DNA position 66, C replaced by T.
Protein change: p.Asp22=; no amino-acid change (aspartic acid 22 retained).
Molecular consequence: synonymous variant.
Genome position (GRCh38, 1-based): chr4:41,748,545, G>A on the plus strand (C>T on the coding strand, the complement: PHOX2B is on the minus strand). VCF-style: chr4-41748545-G-A. GRCh37 (hg19) VCF-style: chr4-41750562-G-A.
Identifiers: ClinVar variation 1692749 (VCV001692749.1), dbSNP rs2153113068, ClinGen allele CA438979678.
Genomic context (GRCh38, chr4:41,748,545, plus strand): 5'-GAAGCCACTGGCCTGGCTGCAGGAACTGAAGTCAGCATAGGCTGAAGCCAGGCTCGAGGT[G>A]TCCATCCCAGCCATACAGGACTCGTAGGCAGAGGAATTGAGGTAAGAATATTCCATTTTA-3'
Protein context (NP_003915.2, residues 12-32): SAYESCMAGM[Asp22=]TSSLASAYAD

ClinVar aggregate classification (germline): Uncertain significance (1 of 4 stars; one submission).

Conditions:
Hereditary cancer-predisposing syndrome. Also called: Hereditary Cancer Syndrome; Hereditary neoplastic syndrome; Neoplastic Syndromes, Hereditary; Tumor predisposition. Identifiers: Orphanet 140162, MedGen C0027672, MeSH D009386, MONDO:0015356.

Submission:

Sema4
Classification: Uncertain significance for Hereditary cancer-predisposing syndrome. Last evaluated: 2021-04-20. Review status: criteria provided, single submitter. Criteria: Sema4 Curation Guidelines. Collection method: curation. Allele origin: germline.
Comment: The PHOX2B c.66C>T (p.D22=) variant has not been reported in the literature to our knowledge. It was not observed in the large and broad cohorts of the Genome Aggregation Database. The variant has not been reported in ClinVar. In silico tools suggest the impact of the variant on splicing is inconclusive, though these predictions have not been confirmed by functional studies. The evidence is insufficient to meet ACMG/AMP criteria for classifying the variant as benign or pathogenic. Thus, the clinical significance of this variant is currently uncertain.